The following is an entry in ClinVar:

ClinVar aggregate classification (germline): Conflicting classifications of pathogenicity. Review status: criteria provided, conflicting classifications (1 of 4 stars). 2 submissions from 2 submitters: Uncertain significance (1); Likely benign (1). Last evaluated 2026-09-11.

Conditions:
Hypercholesterolemia, autosomal dominant, type B (FHCL2). Also called: Familial Hypercholesterolemia Type B; APOLIPOPROTEIN B-100, FAMILIAL DEFECTIVE; APOLIPOPROTEIN B-100, FAMILIAL LIGAND-DEFECTIVE; HYPERCHOLESTEROLEMIA, FAMILIAL, DUE TO LIGAND-DEFECTIVE APOLIPOPROTEIN B; Familial hypercholesterolemia 2; Hyperlipoproteinemia Type IIb. Identifiers: MedGen C1704417, MONDO:0007751, OMIM 144010.
Familial hypobetalipoproteinemia 1. Also called: APOB-Related Familial Hypobetalipoproteinemia; Hypobetalipoproteinemia, normotriglyceridemic; Acanthocytosis with hypobetalipoproteinemia. Identifiers: MedGen C4551990, MONDO:0014252, OMIM 615558.
Cardiovascular phenotype. Identifiers: MedGen CN230736.

Allele frequency attached by ClinVar (database versions not stated): gnomAD exomes below 0.00001.
gnomAD v4.1: 2 of 1,614,070 alleles (0.00012%); highest among the groups gnomAD compares: East Asian, 0.0022%; no homozygotes.

Submissions (2):

Ambry Genetics
Classification: Uncertain significance for Cardiovascular phenotype. Last evaluated: 2026-09-11. Review status: criteria provided, single submitter. Criteria: Ambry Variant Classification Scheme 2023. Collection method: clinical testing. Allele origin: germline.
Comment: The p.L3763V variant (also known as c.11287C>G), located in coding exon 26 of the APOB gene, results from a C to G substitution at nucleotide position 11287. The leucine at codon 3763 is replaced by valine, an amino acid with highly similar properties. This amino acid position is conserved. In addition, this alteration is predicted to be tolerated by in silico analysis. Based on the available evidence, the clinical significance of this variant remains unclear.

Labcorp Genetics (formerly Invitae), Labcorp
Classification: Likely benign for Familial hypobetalipoproteinemia 1; Hypercholesterolemia, autosomal dominant, type B. Last evaluated: 2024-07-23. Review status: criteria provided, single submitter. Criteria: Invitae Variant Classification Sherloc (09022015). Collection method: clinical testing. Allele origin: germline.

NM_000384.3(APOB):c.11287C>G (p.Leu3763Val)

Gene: APOB (apolipoprotein B; minus strand). Cytogenetic location: 2p24.1.
Variant type: single nucleotide variant.
Coding change: c.11287C>G on transcript NM_000384.3 (MANE Select); coding-DNA position 11287, C replaced by G.
Protein change: p.Leu3763Val; replaces leucine 3763 with valine.
Molecular consequence: missense variant.
Genome position (GRCh38, 1-based): chr2:21,005,581, G>C on the plus strand (C>G on the coding strand, the complement: APOB is on the minus strand). VCF-style: chr2-21005581-G-C. GRCh37 (hg19) VCF-style: chr2-21228453-G-C.
Other names: short protein forms L3763V.
Identifiers: ClinVar variation 2597630 (VCV002597630.6), dbSNP rs760189378, ClinGen allele CA046169.
Genomic context (GRCh38, chr2:21,005,581, plus strand): 5'-GGTTGAGGGCAAATGATGAAGTTCTCAGCTTCTTATAGATTTGTATTTCTCTGAAGTCAA[G>C]TTTGCACGATGGAACCTGAAGATCTGTAAATGGGACATGGAACGTAGGCATGACAAGAAC-3'
Protein context (NP_000375.3, residues 3753-3773): FTDLQVPSCK[Leu3763Val]DFREIQIYKK